The following is an entry in ClinVar:

ClinVar aggregate classification (germline): Uncertain significance (1 of 4 stars; one submission).

Submission:

Women's Health and Genetics/Laboratory Corporation of America, LabCorp
Classification: Uncertain significance. Last evaluated: 2025-02-18. Review status: criteria provided, single submitter. Criteria: LabCorp Variant Classification Summary - May 2015. Collection method: clinical testing. Allele origin: germline.
Comment: Variant summary: GP6 c.821A>T (p.Asp274Val) results in a non-conservative amino acid change in the encoded protein sequence. Four of five in-silico tools predict a benign effect of the variant on protein function. The variant was absent in 191446 control chromosomes. The available data on variant occurrences in the general population are insufficient to allow any conclusion about variant significance. To our knowledge, no occurrence of c.821A>T in individuals affected with Platelet-Type Bleeding Disorder 11 and no experimental evidence demonstrating its impact on protein function have been reported. No submitters have cited clinical-significance assessments for this variant to ClinVar. Based on the evidence outlined above, the variant was classified as uncertain significance.

NM_016363.5(GP6):c.817A>T (p.Ile273Leu)

Gene: GP6 (glycoprotein VI platelet; minus strand). Cytogenetic location: 19q13.42.
Variant type: single nucleotide variant.
Coding change: c.817A>T on transcript NM_016363.5 (MANE Select); coding-DNA position 817, A replaced by T.
Protein change: p.Ile273Leu; replaces isoleucine 273 with leucine.
Molecular consequence: missense variant.
Genome position (GRCh38, 1-based): chr19:55,015,124, T>A on the plus strand (A>T on the coding strand, the complement: GP6 is on the minus strand). VCF-style: chr19-55015124-T-A. GRCh37 (hg19) VCF-style: chr19-55526492-T-A.
Other names: c.821A>T, p.Asp274Val (NM_001083899.2); c.763A>T, p.Ile255Leu (NM_001256017.2); short protein forms D274V, I255L, I273L.
Identifiers: ClinVar variation 3769007 (VCV003769007.1).
Genomic context (GRCh38, chr19:55,015,124, plus strand): 5'-TGTGCCAGTCCTCTGCCAGAAACCCCGCCAGGATTATTAGGATCACAGCCCCGAGGCATA[T>A]CCGGACCAGGTTGCCCTTGGTGTAGTACTGGCGGGCAGGACCTGGAGGAATGAGGAGAGG-3'
Protein context (NP_057447.5, residues 263-283): QYYTKGNLVR[Ile273Leu]CLGAVILIIL